The following is an entry in ClinVar:

NM_001519.4(BRF1):c.903G>A (p.Leu301=)

Gene: BRF1 (BRF1 general transcription factor IIIB subunit; minus strand). Cytogenetic location: 14q32.33.
Variant type: single nucleotide variant.
Coding change: c.903G>A on transcript NM_001519.4 (MANE Select); coding-DNA position 903, G replaced by A.
Protein change: p.Leu301=; no amino-acid change (leucine 301 retained).
Molecular consequence: synonymous variant.
Genome position (GRCh38, 1-based): chr14:105,226,646, C>T on the plus strand (G>A on the coding strand, the complement: BRF1 is on the minus strand). VCF-style: chr14-105226646-C-T. GRCh37 (hg19) VCF-style: chr14-105692983-C-T.
Other names: c.822G>A, p.Leu274= (NM_001242788.2); c.189G>A, p.Leu63= (NM_001242789.2); c.291G>A, p.Leu97= (NM_145685.3); c.558G>A, p.Leu186= (NM_001242786.2, NM_001242787.2).
Identifiers: ClinVar variation 3905338 (VCV003905338.10).

ClinVar aggregate classification (germline): Likely benign (1 of 4 stars; one submission).

gnomAD v4.1: 56 of 1,613,166 alleles (0.0035%); highest among the groups gnomAD compares: Non-Finnish European, 0.0042%; no homozygotes.

Submission:

CeGaT Center for Human Genetics Tuebingen
Classification: Likely benign. Last evaluated: 2025-06-01. Review status: criteria provided, single submitter. Criteria: CeGaT Center For Human Genetics Tuebingen Variant Classification Criteria Version 2. Collection method: clinical testing. Allele origin: germline. Affected: yes. Observed: 1 variant allele.
Comment: BRF1: BP4, BP7